The following is an entry in ClinVar:

NM_003086.4(SNAPC4):c.1325+1G>T

Gene: SNAPC4 (small nuclear RNA activating complex polypeptide 4; minus strand). Cytogenetic location: 9q34.3.
Variant type: single nucleotide variant.
Coding change: c.1325+1G>T on transcript NM_003086.4 (MANE Select); the canonical splice donor site of the intron after coding-DNA position 1325, G replaced by T.
Molecular consequence: splice donor variant.
Genome position (GRCh38, 1-based): chr9:136,387,484, C>A on the plus strand (G>T on the coding strand, the complement: SNAPC4 is on the minus strand). VCF-style: chr9-136387484-C-A. GRCh37 (hg19) VCF-style: chr9-139281936-C-A.
Other names: IVS13DS, G-T, +1; c.1325+1G>T (NM_001394203.1, NM_001394202.1, NM_001394201.1).
Identifiers: ClinVar variation 2580885 (VCV002580885.2), dbSNP rs1373890461, ClinGen allele CA375538755.

ClinVar aggregate classification (germline): Uncertain significance. Review status: criteria provided, single submitter (1 of 4 stars). 2 submissions from 2 submitters: Uncertain significance (1). 1 of the submissions does not count toward it. Last evaluated 2023-05-09.

Conditions:
Neurodevelopmental disorder with motor regression, progressive spastic paraplegia, and oromotor dysfunction (NEDRSO). Identifiers: MedGen C5882695, MONDO:0957791, OMIM 620515.

Allele frequency attached by ClinVar (database versions not stated): gnomAD 0.00001; TOPMed 0.00001.
gnomAD v4.1: 2 of 1,606,174 alleles (0.00012%); highest among the groups gnomAD compares: African/African-American, 0.0013%; no homozygotes.

Submissions (2):

GeneDx
Classification: Uncertain significance. Last evaluated: 2023-05-09. Review status: criteria provided, single submitter. Criteria: GeneDx Variant Classification Process June 2021. Collection method: clinical testing. Allele origin: germline. Affected: yes.
Comment: Observed with a second SNAPC4 variant on the opposite allele (in trans) in a patient with poor growth, developmental regression, spasticity, dystonia, oromotor dysfunction, inability to walk, and atrophy of the cerebellum and striatum in published literature (Frost et al., 2023); Not observed at significant frequency in large population cohorts (gnomAD); In silico analysis supports a deleterious effect on splicing; Variants in candidate genes are classified as variants of uncertain significance in accordance with ACMG guidelines (Richards et al., 2015); This variant is associated with the following publications: (PMID: 36965478)

OMIM
Classification: Pathogenic for NEURODEVELOPMENTAL DISORDER WITH MOTOR REGRESSION, PROGRESSIVE SPASTIC PARAPLEGIA, AND OROMOTOR DYSFUNCTION. Last evaluated: 2023-09-27. Review status: no assertion criteria provided. Collection method: literature only. Allele origin: germline. Not counted in ClinVar's aggregate classification.

Literature cited by the submitters: PubMed 36965478 (cited by OMIM).